The following is an entry in ClinVar:

NM_021930.6(RINT1):c.1189C>T (p.Leu397Phe)

Gene: RINT1 (RAD50 interactor 1; plus strand). Cytogenetic location: 7q22.3.
Variant type: single nucleotide variant.
Coding change: c.1189C>T on transcript NM_021930.6 (MANE Select); coding-DNA position 1189, C replaced by T.
Protein change: p.Leu397Phe; replaces leucine 397 with phenylalanine.
Molecular consequence: missense variant. On other transcripts: non-coding transcript variant (1).
Genome position (GRCh38, 1-based): chr7:105,550,342, C>T. VCF-style: chr7-105550342-C-T. GRCh37 (hg19) VCF-style: chr7-105190789-C-T.
Other names: c.955C>T, p.Leu319Phe (NM_001346599.2); c.166C>T, p.Leu56Phe (NM_001346600.2, NM_001346603.2); c.265C>T, p.Leu89Phe (NM_001346601.2); short protein forms L56F, L319F, L89F, L397F.
Identifiers: ClinVar variation 2622809 (VCV002622809.3), dbSNP rs1178344419, ClinGen allele CA368809106.

ClinVar aggregate classification (germline): Uncertain significance (1 of 4 stars; one submission).

Submission:

Ambry Genetics
Classification: Uncertain significance. Last evaluated: 2025-10-09. Review status: criteria provided, single submitter. Criteria: Ambry Variant Classification Scheme 2023. Collection method: clinical testing. Allele origin: germline.
Comment: The p.L397F variant (also known as c.1189C>T), located in coding exon 9 of the RINT1 gene, results from a C to T substitution at nucleotide position 1189. The leucine at codon 397 is replaced by phenylalanine, an amino acid with highly similar properties. This amino acid position is conserved. In addition, this alteration is predicted to be deleterious by in silico analysis. Since supporting evidence is limited at this time, the clinical significance of this alteration remains unclear.